The following is an entry in ClinVar:

NM_000535.7(PMS2):c.706-2A>C

Gene: PMS2 (PMS1 homolog 2, mismatch repair system component; minus strand). Cytogenetic location: 7p22.1.
Variant type: single nucleotide variant.
Coding change: c.706-2A>C on transcript NM_000535.7 (MANE Select); the canonical splice acceptor site of the intron before coding-DNA position 706, A replaced by C.
Molecular consequence: splice acceptor variant. On other transcripts: intron variant (3).
Genome position (GRCh38, 1-based): chr7:5,997,425, T>G on the plus strand (A>C on the coding strand, the complement: PMS2 is on the minus strand). VCF-style: chr7-5997425-T-G. GRCh37 (hg19) VCF-style: chr7-6037056-T-G.
Other names: c.388-2A>C (NM_001322008.2, NM_001406902.1, NM_001406883.1 and 4 more transcripts); c.397-2A>C (NM_001406881.1, NM_001406879.1, NM_001322015.2 and 6 more transcripts); c.301-2A>C (NM_001406895.1, NM_001322010.2, NM_001322004.2 and 19 more transcripts); c.132+5028A>C (NM_001406911.1); c.193-2A>C (NM_001406904.1, NM_001406905.1); c.133-2A>C (NM_001322013.2, NM_001406909.1); c.-228-2A>C (NM_001322012.2, NM_001322011.2); c.370-2A>C (NM_001406885.1); and 7 more.
Identifiers: ClinVar variation 186234 (VCV000186234.5), dbSNP rs745487791, ClinGen allele CA012617.

ClinVar aggregate classification (germline): Likely pathogenic (1 of 4 stars; one submission).

Conditions:
Hereditary cancer-predisposing syndrome. Also called: Neoplastic Syndromes, Hereditary; Tumor predisposition; Hereditary Cancer Syndrome; Hereditary neoplastic syndrome. Identifiers: Orphanet 140162, MedGen C0027672, MeSH D009386, MONDO:0015356.

gnomAD v4.1: 1 of 1,424,096 alleles (0.00007%); highest among the groups gnomAD compares: South Asian, 0.0012%; no homozygotes.

Submission:

Ambry Genetics
Classification: Likely pathogenic for Hereditary cancer-predisposing syndrome. Last evaluated: 2014-09-30. Review status: criteria provided, single submitter. Criteria: Ambry Variant Classification Scheme 2023. Collection method: clinical testing. Allele origin: germline.
Comment: The c.706-2A>C intronic variant results from an A to C substitution two nucleotides upstream from coding exon 7 in the PMS2 gene. This variant was not reported in population based cohorts in the following databases: Database of Single Nucleotide Polymorphisms (dbSNP), NHLBI Exome Sequencing Project (ESP), and 1000 Genomes Project. In the ESP, this variant was not observed in 6503 samples (13006 alleles) with coverage at this position. To date, this alteration has been detected with an allele frequency of approximately 0.004% (greater than 23,000 alleles tested) in our clinical cohort (includes this individual). Based on nucleotide sequence alignment, this position is highly conserved in available vertebrate species. Using the BDGP and ESEfinder splice site prediction tools, this alteration is predicted to abolish the native acceptor splice site; however, direct evidence is unavailable. Alterations that disrupt the canonical splice acceptor site are typically deleterious in nature (ACMG Recommendations for Standards for Interpretation and Reporting of Sequence Variations. Revision 2007. Genet Med. 2008;10:294). As such, the c.706-2A>C variant is classified as likely pathogenic.